The following is an entry in ClinVar:

NM_014855.3(AP5Z1):c.623C>T (p.Pro208Leu)

Gene: AP5Z1 (adaptor related protein complex 5 subunit zeta 1; plus strand). Cytogenetic location: 7p22.1.
Variant type: single nucleotide variant.
Coding change: c.623C>T on transcript NM_014855.3 (MANE Select); coding-DNA position 623, C replaced by T.
Protein change: p.Pro208Leu; replaces proline 208 with leucine.
Molecular consequence: missense variant. On other transcripts: non-coding transcript variant (1).
Genome position (GRCh38, 1-based): chr7:4,784,204, C>T. VCF-style: chr7-4784204-C-T. GRCh37 (hg19) VCF-style: chr7-4823835-C-T.
Other names: c.155C>T, p.Pro52Leu (NM_001364858.1); short protein forms P208L, P52L.
Identifiers: ClinVar variation 864522 (VCV000864522.8), dbSNP rs779121737, ClinGen allele CA4137294.

ClinVar aggregate classification (germline): Uncertain significance. Review status: criteria provided, multiple submitters, no conflicts (2 of 4 stars). 2 submissions from 2 submitters: Uncertain significance (2). Last evaluated 2024-01-25.

Conditions:
Inborn genetic diseases. Identifiers: MedGen C0950123, MeSH D030342.
Hereditary spastic paraplegia 48. Also called: SPASTIC PARAPLEGIA 48, AUTOSOMAL RECESSIVE; Spastic paraplegia 48. Identifiers: Orphanet 306511, MedGen C3150901, MONDO:0013342, OMIM 613647.

Allele frequency attached by ClinVar (database versions not stated): TOPMed 0.00002; gnomAD 0.00005 and 0.00006.
gnomAD v4.1: 54 of 1,579,546 alleles (0.0034%); highest among the groups gnomAD compares: East Asian, 0.021%; no homozygotes.

Submissions (2):

Labcorp Genetics (formerly Invitae), Labcorp
Classification: Uncertain significance for Hereditary spastic paraplegia 48. Last evaluated: 2024-01-25. Review status: criteria provided, single submitter. Criteria: Invitae Variant Classification Sherloc (09022015). Collection method: clinical testing. Allele origin: germline.
Comment: This sequence change replaces proline, which is neutral and non-polar, with leucine, which is neutral and non-polar, at codon 208 of the AP5Z1 protein (p.Pro208Leu). This variant is present in population databases (rs779121737, gnomAD 0.02%). This variant has not been reported in the literature in individuals affected with AP5Z1-related conditions. ClinVar contains an entry for this variant (Variation ID: 864522). Algorithms developed to predict the effect of missense changes on protein structure and function output the following: SIFT: "Not Available"; PolyPhen-2: "Benign"; Align-GVGD: "Not Available". The leucine amino acid residue is found in multiple mammalian species, which suggests that this missense change does not adversely affect protein function. In summary, the available evidence is currently insufficient to determine the role of this variant in disease. Therefore, it has been classified as a Variant of Uncertain Significance.

Ambry Genetics
Classification: Uncertain significance for Inborn genetic diseases. Last evaluated: 2024-01-08. Review status: criteria provided, single submitter. Criteria: Ambry Variant Classification Scheme 2023. Collection method: clinical testing. Allele origin: germline.